The following is an entry in ClinVar:

ClinVar aggregate classification (germline): Pathogenic (1 of 4 stars; one submission).

Submission:

Labcorp Genetics (formerly Invitae), Labcorp
Classification: Pathogenic. Last evaluated: 2024-02-23. Review status: criteria provided, single submitter. Criteria: Invitae Variant Classification Sherloc (09022015). Collection method: clinical testing. Allele origin: germline.
Comment: This sequence change creates a premature translational stop signal (p.Trp186*) in the RP2 gene. It is expected to result in an absent or disrupted protein product. Loss-of-function variants in RP2 are known to be pathogenic (PMID: 11992260, 20625056). This variant is not present in population databases (gnomAD no frequency). This premature translational stop signal has been observed in individual(s) with retinitis pigmentosa (PMID: 16969763). ClinVar contains an entry for this variant (Variation ID: 1352266). For these reasons, this variant has been classified as Pathogenic.

Literature cited by the submitters: PubMed 11992260; PubMed 20625056; PubMed 16969763.

NM_006915.3(RP2):c.557G>A (p.Trp186Ter)

Gene: RP2 (RP2 activator of ARL3 GTPase; plus strand). Cytogenetic location: Xp11.3.
Variant type: single nucleotide variant.
Coding change: c.557G>A on transcript NM_006915.3 (MANE Select); coding-DNA position 557, G replaced by A.
Protein change: p.Trp186Ter; replaces tryptophan 186 with a stop codon.
Molecular consequence: nonsense.
Genome position (GRCh38, 1-based): chrX:46,853,930, G>A. VCF-style: chrX-46853930-G-A. GRCh37 (hg19) VCF-style: chrX-46713365-G-A.
Other names: short protein forms W186*.
Identifiers: ClinVar variation 1352266 (VCV001352266.8), dbSNP rs2147081435, ClinGen allele CA413040205.